The following is an entry in ClinVar:

ClinVar aggregate classification (germline): Uncertain significance. Review status: criteria provided, multiple submitters, no conflicts (2 of 4 stars). 2 submissions from 2 submitters: Uncertain significance (2). Last evaluated 2023-06-12.

Conditions:
LRRK2-related disorder. Also called: LRRK2-related condition.
Inborn genetic diseases. Identifiers: MedGen C0950123, MeSH D030342.

Allele frequency attached by ClinVar (database versions not stated): gnomAD exomes below 0.00001; TOPMed below 0.00001; gnomAD 0.00001.
gnomAD v4.1: 4 of 1,612,464 alleles (0.00025%); highest among the groups gnomAD compares: African/African-American, 0.004%; no homozygotes.

Submissions (2):

PreventionGenetics, part of Exact Sciences
Classification: Uncertain significance for LRRK2-related condition. Last evaluated: 2023-06-12. Review status: criteria provided, single submitter. Criteria: ACMG Guidelines, 2015. Collection method: clinical testing. Allele origin: germline.
Comment: The LRRK2 c.2533A>G variant is predicted to result in the amino acid substitution p.Arg845Gly. To our knowledge, this variant has not been reported in the literature or in a large population database, indicating this variant is rare. At this time, the clinical significance of this variant is uncertain due to the absence of conclusive functional and genetic evidence.

Ambry Genetics
Classification: Uncertain significance for Inborn genetic diseases. Last evaluated: 2022-02-07. Review status: criteria provided, single submitter. Criteria: Ambry Variant Classification Scheme 2023. Collection method: clinical testing. Allele origin: germline.
Comment: The p.R845G variant (also known as c.2533A>G), located in coding exon 20 of the LRRK2 gene, results from an A to G substitution at nucleotide position 2533. The arginine at codon 845 is replaced by glycine, an amino acid with dissimilar properties. This amino acid position is conserved. In addition, this alteration is predicted to be tolerated by in silico analysis. Since supporting evidence is limited at this time, the clinical significance of this alteration remains unclear.

NM_198578.4(LRRK2):c.2533A>G (p.Arg845Gly)

Gene: LRRK2 (leucine rich repeat kinase 2; plus strand). Cytogenetic location: 12q12.
Variant type: single nucleotide variant.
Coding change: c.2533A>G on transcript NM_198578.4 (MANE Select); coding-DNA position 2533, A replaced by G.
Protein change: p.Arg845Gly; replaces arginine 845 with glycine.
Molecular consequence: missense variant.
Genome position (GRCh38, 1-based): chr12:40,287,383, A>G. VCF-style: chr12-40287383-A-G. GRCh37 (hg19) VCF-style: chr12-40681185-A-G.
Other names: short protein forms R845G.
Identifiers: ClinVar variation 1792727 (VCV001792727.3), dbSNP rs1943970238, ClinGen allele CA384408628.